The following is an entry in ClinVar:

ClinVar aggregate classification (germline): Conflicting classifications of pathogenicity. Review status: criteria provided, conflicting classifications (1 of 4 stars). 4 submissions from 4 submitters: Uncertain significance (3); Likely benign (1). Last evaluated 2025-12-03.

Conditions:
HRAS-related disorder. Also called: HRAS-related condition.
Costello syndrome (CSTLO). Also called: FCS SYNDROME; FACIOCUTANEOSKELETAL SYNDROME; HRAS-Related Costello Syndrome. Identifiers: Orphanet 3071, MedGen C0587248, MONDO:0009026, OMIM 218040.

Allele frequency attached by ClinVar (database versions not stated): gnomAD 0.00001.
gnomAD v4.1: 14 of 1,613,060 alleles (0.00087%); highest among the groups gnomAD compares: South Asian, 0.0011%; no homozygotes.

Submissions (4):

Labcorp Genetics (formerly Invitae), Labcorp
Classification: Uncertain significance for Costello syndrome. Last evaluated: 2025-12-03. Review status: criteria provided, single submitter. Criteria: Invitae Variant Classification Sherloc (09022015). Collection method: clinical testing. Allele origin: germline.
Comment: This sequence change replaces arginine, which is basic and polar, with glutamine, which is neutral and polar, at codon 164 of the HRAS protein (p.Arg164Gln). The frequency data for this variant in the population databases is considered unreliable, as metrics indicate poor data quality at this position in the gnomAD database. This variant has not been reported in the literature in individuals affected with HRAS-related conditions. ClinVar contains an entry for this variant (Variation ID: 948223). Invitae Evidence Modeling of protein sequence and biophysical properties (such as structural, functional, and spatial information, amino acid conservation, physicochemical variation, residue mobility, and thermodynamic stability) has been performed for this missense variant. However, the output from this modeling did not meet the statistical confidence thresholds required to predict the impact of this variant on HRAS protein function. In summary, the available evidence is currently insufficient to determine the role of this variant in disease. Therefore, it has been classified as a Variant of Uncertain Significance.

CeGaT Center for Human Genetics Tuebingen
Classification: Likely benign. Last evaluated: 2025-04-01. Review status: criteria provided, single submitter. Criteria: CeGaT Center For Human Genetics Tuebingen Variant Classification Criteria Version 2. Collection method: clinical testing. Allele origin: germline. Affected: yes. Observed: 1 variant allele.
Comment: HRAS: BS2

PreventionGenetics, part of Exact Sciences
Classification: Uncertain significance for HRAS-related condition. Last evaluated: 2023-09-04. Review status: criteria provided, single submitter. Criteria: ACMG Guidelines, 2015. Collection method: clinical testing. Allele origin: germline.
Comment: The HRAS c.491G>A variant is predicted to result in the amino acid substitution p.Arg164Gln. To our knowledge, this variant has not been reported in the literature. This variant is reported in 0.0016% of alleles in individuals of European (Non-Finnish) descent in gnomAD. At this time, the clinical significance of this variant is uncertain due to the absence of conclusive functional and genetic evidence.

GeneDx
Classification: Uncertain significance. Last evaluated: 2019-06-21. Review status: criteria provided, single submitter. Criteria: GeneDx Variant Classification Process June 2021. Collection method: clinical testing. Allele origin: germline. Affected: yes.
Comment: Has not been previously published as pathogenic or benign to our knowledge; In silico analysis, which includes protein predictors and evolutionary conservation, supports a deleterious effect

NM_005343.4(HRAS):c.491G>A (p.Arg164Gln)

Genes: HRAS (HRas proto-oncogene, GTPase; minus strand), LRRC56 (leucine rich repeat containing 56; plus strand). Cytogenetic location: 11p15.5.
Variant type: single nucleotide variant.
Coding change: c.491G>A on transcript NM_005343.4 (MANE Select); coding-DNA position 491, G replaced by A.
Protein change: p.Arg164Gln; replaces arginine 164 with glutamine.
Molecular consequence: missense variant. On other transcripts: 3 prime UTR variant (1).
Genome position (GRCh38, 1-based): chr11:532,715, C>T on the plus strand (G>A on the coding strand, the complement: HRAS is on the minus strand). VCF-style: chr11-532715-C-T. GRCh37 (hg19) VCF-style: chr11-532715-C-T.
Other names: c.491G>A (NM_005343.3); c.491G>A, p.Arg164Gln (NM_001130442.3); c.254G>A, p.Arg85Gln (NM_001318054.2); c.*60G>A (NM_176795.5); short protein forms R164Q, R85Q.
Identifiers: ClinVar variation 948223 (VCV000948223.22), dbSNP rs753977266, ClinGen allele CA5779218.
Genomic context (GRCh38, chr11:532,715, plus strand): 5'-CAGCTCATGCAGCCGGGGCCACTCTCATCAGGAGGGTTCAGCTTCCGCAGCTTGTGCTGC[C>T]GGATCTCACGCACCAACGTGTAGAAGGCATCCTCCACTCCCTGGGAAAGGAGGGATGGGA-3'
Protein context (NP_005334.1, residues 154-174): DAFYTLVREI[Arg164Gln]QHKLRKLNPP